The following is an entry in ClinVar:

ClinVar aggregate classification (germline): Uncertain significance (1 of 4 stars; one submission).

Submission:

Labcorp Genetics (formerly Invitae), Labcorp
Classification: Uncertain significance. Last evaluated: 2024-02-06. Review status: criteria provided, single submitter. Criteria: Invitae Variant Classification Sherloc (09022015). Collection method: clinical testing. Allele origin: germline.
Comment: This sequence change replaces serine, which is neutral and polar, with alanine, which is neutral and non-polar, at codon 1310 of the ERBIN protein (p.Ser1310Ala). This variant is not present in population databases (gnomAD no frequency). This variant has not been reported in the literature in individuals affected with ERBIN-related conditions. An algorithm developed to predict the effect of missense changes on protein structure and function (PolyPhen-2) suggests that this variant is likely to be tolerated. In summary, the available evidence is currently insufficient to determine the role of this variant in disease. Therefore, it has been classified as a Variant of Uncertain Significance.

NM_001253697.2(ERBIN):c.3928T>G (p.Ser1310Ala)

Gene: ERBIN (erbb2 interacting protein; plus strand). Cytogenetic location: 5q12.3.
Variant type: single nucleotide variant.
Coding change: c.3928T>G on transcript NM_001253697.2 (MANE Select); coding-DNA position 3928, T replaced by G.
Protein change: p.Ser1310Ala; replaces serine 1310 with alanine.
Molecular consequence: missense variant. On other transcripts: intron variant (1).
Genome position (GRCh38, 1-based): chr5:66,075,195, T>G. VCF-style: chr5-66075195-T-G. GRCh37 (hg19) VCF-style: chr5-65371023-T-G.
Other names: c.3805T>G, p.Ser1269Ala (NM_001253698.2, NM_018695.4); c.3949T>G, p.Ser1317Ala (NM_001253699.2); c.3793T>G, p.Ser1265Ala (NM_001253701.2); c.3634-1121T>G (NM_001006600.3); short protein forms S1269A, S1265A, S1310A, S1317A.
Identifiers: ClinVar variation 3639146 (VCV003639146.2).
Genomic context (GRCh38, chr5:66,075,195, plus strand): 5'-CTAATTGATTACTTGATGCTGAAAGTGGCCCACCAGCCTCCATATACACAGCCCCATTGT[T>G]CTCCTAGACAAGGCCATGAACTGGCAAAACAAGAGGTAAGAATAATCAAGACTATTTGAA-3'
Protein context (NP_001240626.1, residues 1300-1320): HQPPYTQPHC[Ser1310Ala]PRQGHELAKQ